The following is an entry in ClinVar:

ClinVar aggregate classification (germline): Uncertain significance (1 of 4 stars; one submission).

Allele frequency attached by ClinVar (database versions not stated): ExAC 0.00001; gnomAD 0.00001; gnomAD exomes 0.00001.

Submission:

Labcorp Genetics (formerly Invitae), Labcorp
Classification: Uncertain significance. Last evaluated: 2023-06-01. Review status: criteria provided, single submitter. Criteria: Invitae Variant Classification Sherloc (09022015). Collection method: clinical testing. Allele origin: germline.
Comment: In summary, the available evidence is currently insufficient to determine the role of this variant in disease. Therefore, it has been classified as a Variant of Uncertain Significance. An algorithm developed to predict the effect of missense changes on protein structure and function (PolyPhen-2) suggests that this variant is likely to be disruptive. This missense change has been observed in individual(s) with strabismus (PMID: 31106028). This variant is present in population databases (rs756507351, gnomAD 0.03%). This sequence change replaces methionine, which is neutral and non-polar, with isoleucine, which is neutral and non-polar, at codon 567 of the IMPDH1 protein (p.Met567Ile).

Literature cited by the submitters: PubMed 31106028.

NM_000883.4(IMPDH1):c.1701G>A (p.Met567Ile)

Gene: IMPDH1 (inosine monophosphate dehydrogenase 1; minus strand). Cytogenetic location: 7q32.1.
Variant type: single nucleotide variant.
Coding change: c.1701G>A on transcript NM_000883.4 (MANE Select); coding-DNA position 1701, G replaced by A.
Protein change: p.Met567Ile; replaces methionine 567 with isoleucine.
Molecular consequence: missense variant.
Genome position (GRCh38, 1-based): chr7:128,394,355, C>T on the plus strand (G>A on the coding strand, the complement: IMPDH1 is on the minus strand). VCF-style: chr7-128394355-C-T. GRCh37 (hg19) VCF-style: chr7-128034409-C-T.
Other names: c.1671G>A, p.Met557Ile (NM_001102605.2); c.1446G>A, p.Met482Ile (NM_001142573.2); c.1431G>A, p.Met477Ile (NM_001142574.2); c.1371G>A, p.Met457Ile (NM_001142575.2); c.1602G>A, p.Met534Ile (NM_001142576.2); c.1494G>A, p.Met498Ile (NM_001304521.2); c.1593G>A, p.Met531Ile (NM_183243.3); short protein forms M498I, M534I, M457I, M477I, M482I, M557I, M567I, M531I.
Identifiers: ClinVar variation 2907376 (VCV002907376.3), dbSNP rs756507351, ClinGen allele CA4470735.